The following is an entry in ClinVar:

ClinVar aggregate classification (germline): Uncertain significance (1 of 4 stars; one submission).

Conditions:
Nephronophthisis. Also called: Juvenile Nephronophthisis. Identifiers: Orphanet 655, MedGen C0687120, MONDO:0019005, HP:0000090.

Submission:

Labcorp Genetics (formerly Invitae), Labcorp
Classification: Uncertain significance for Nephronophthisis. Last evaluated: 2021-07-21. Review status: criteria provided, single submitter. Criteria: Invitae Variant Classification Sherloc (09022015). Collection method: clinical testing. Allele origin: germline.
Comment: This sequence change replaces serine with arginine at codon 405 of the NPHP1 protein (p.Ser405Arg). The serine residue is highly conserved and there is a moderate physicochemical difference between serine and arginine. This variant is not present in population databases (ExAC no frequency). This variant has not been reported in the literature in individuals affected with NPHP1-related conditions. Algorithms developed to predict the effect of missense changes on protein structure and function are either unavailable or do not agree on the potential impact of this missense change (SIFT: "Tolerated"; PolyPhen-2: "Probably Damaging"; Align-GVGD: "Class C0"). In summary, the available evidence is currently insufficient to determine the role of this variant in disease. Therefore, it has been classified as a Variant of Uncertain Significance.

NM_001128178.3(NPHP1):c.1047C>A (p.Ser349Arg)

Gene: NPHP1 (nephrocystin 1; minus strand). Cytogenetic location: 2q13.
Variant type: single nucleotide variant.
Coding change: c.1047C>A on transcript NM_001128178.3 (MANE Select); coding-DNA position 1047, C replaced by A.
Protein change: p.Ser349Arg; replaces serine 349 with arginine.
Molecular consequence: missense variant.
Genome position (GRCh38, 1-based): chr2:110,160,163, G>T on the plus strand (C>A on the coding strand, the complement: NPHP1 is on the minus strand). VCF-style: chr2-110160163-G-T. GRCh37 (hg19) VCF-style: chr2-110917740-G-T.
Other names: c.1215C>A, p.Ser405Arg (NM_000272.5); c.858C>A, p.Ser286Arg (NM_001128179.3); c.1044C>A, p.Ser348Arg (NM_001374256.1); c.1047C>A, p.Ser349Arg (NM_001374257.1); c.1212C>A, p.Ser404Arg (NM_207181.4); short protein forms S286R, S348R, S404R, S349R, S405R.
Identifiers: ClinVar variation 1368847 (VCV001368847.8), dbSNP rs2104542406, ClinGen allele CA348089478.